The following is an entry in ClinVar:

ClinVar aggregate classification (germline): Uncertain significance. Review status: criteria provided, multiple submitters, no conflicts (2 of 4 stars). 2 submissions from 2 submitters: Uncertain significance (2). Last evaluated 2022-08-01.

Conditions:
Familial acute necrotizing encephalopathy (IIAE3). Also called: Susceptibility to Acute Necrotizing Encephalopathy 1; ENCEPHALOPATHY, ACUTE, INFECTION-INDUCED, SUSCEPTIBILITY TO, 3. Identifiers: Orphanet 88619, MedGen C2675556, MONDO:0011953, OMIM 608033.

Allele frequency attached by ClinVar (database versions not stated): gnomAD exomes 0.00004 and 0.00002; gnomAD 0.00001; TOPMed 0.00002; ExAC 0.00004.
gnomAD v4.1: 31 of 1,611,840 alleles (0.0019%); highest among the groups gnomAD compares: Non-Finnish European, 0.002%; no homozygotes.

Submissions (2):

Ambry Genetics
Classification: Uncertain significance. Last evaluated: 2022-08-01. Review status: criteria provided, single submitter. Criteria: Ambry Variant Classification Scheme 2023. Collection method: clinical testing. Allele origin: germline.

Labcorp Genetics (formerly Invitae), Labcorp
Classification: Uncertain significance for Familial acute necrotizing encephalopathy. Last evaluated: 2018-11-05. Review status: criteria provided, single submitter. Criteria: Invitae Variant Classification Sherloc (09022015). Collection method: clinical testing. Allele origin: germline.
Comment: In summary, the available evidence is currently insufficient to determine the role of this variant in disease. Therefore, it has been classified as a Variant of Uncertain Significance. Algorithms developed to predict the effect of missense changes on protein structure and function (SIFT, PolyPhen-2, Align-GVGD) all suggest that this variant is likely to be tolerated, but these predictions have not been confirmed by published functional studies and their clinical significance is uncertain. This variant has not been reported in the literature in individuals with RANBP2-related disease. The frequency data for this variant in the population databases is considered unreliable, as metrics indicate poor data quality at this position in the ExAC database. This sequence change replaces alanine with serine at codon 2564 of the RANBP2 protein (p.Ala2564Ser). The alanine residue is weakly conserved and there is a moderate physicochemical difference between alanine and serine.

NM_006267.5(RANBP2):c.7690G>T (p.Ala2564Ser)

Gene: RANBP2 (RAN binding protein 2; plus strand). Cytogenetic location: 2q13.
Variant type: single nucleotide variant.
Coding change: c.7690G>T on transcript NM_006267.5 (MANE Select); coding-DNA position 7690, G replaced by T.
Protein change: p.Ala2564Ser; replaces alanine 2564 with serine.
Molecular consequence: missense variant.
Genome position (GRCh38, 1-based): chr2:108,768,229, G>T. VCF-style: chr2-108768229-G-T. GRCh37 (hg19) VCF-style: chr2-109384685-G-T.
Other names: short protein forms A2564S.
Identifiers: ClinVar variation 641155 (VCV000641155.10), dbSNP rs749950831, ClinGen allele CA1823640.
Genomic context (GRCh38, chr2:108,768,229, plus strand): 5'-TTGTTTGGATTTAGTTTTAATGCACCTTTGAAAAGTAACAATAGTGAAACTAGTTCAGTA[G>T]CCCAGAGTGGATCTGAAAGCAAAGTGGAACCTAAAAAATGTGAACTGTCAAAGAACTCTG-3'
Protein context (NP_006258.3, residues 2554-2574): KSNNSETSSV[Ala2564Ser]QSGSESKVEP